The following is an entry in ClinVar:

NM_000475.5(NR0B1):c.1274G>T (p.Arg425Ile)

Gene: NR0B1 (nuclear receptor subfamily 0 group B member 1; minus strand). Cytogenetic location: Xp21.2.
Variant type: single nucleotide variant.
Coding change: c.1274G>T on transcript NM_000475.5 (MANE Select); coding-DNA position 1274, G replaced by T.
Protein change: p.Arg425Ile; replaces arginine 425 with isoleucine.
Molecular consequence: missense variant.
Genome position (GRCh38, 1-based): chrX:30,304,718, C>A on the plus strand (G>T on the coding strand, the complement: NR0B1 is on the minus strand). VCF-style: chrX-30304718-C-A. GRCh37 (hg19) VCF-style: chrX-30322835-C-A.
Other names: short protein forms R425I.
Identifiers: ClinVar variation 55874 (VCV000055874.2), dbSNP rs387907373, ClinGen allele CA263240.

ClinVar aggregate classification (germline): Pathogenic (0 of 4 stars; one submission).

Conditions:
Congenital adrenal hypoplasia, X-linked (AHC). Also called: ADRENAL HYPOPLASIA, CONGENITAL, WITH HYPOGONADOTROPIC HYPOGONADISM; X-linked AHC; X-Linked Adrenal Hypoplasia Congenita; Isolated X-Linked Adrenal Hypoplasia Congenita. Identifiers: Orphanet 95702, MedGen C0342482, MONDO:0010264, OMIM 300200. Disease mechanism: loss of function.

Submission:

Laboratory for Genetics of Human Development Center for Human Genetics, Catholic University of Leuven
Classification: Pathogenic for Congenital adrenal hypoplasia, X-linked. Review status: no assertion criteria provided. Collection method: not provided. Allele origin: maternal.
Comment: we report a Congolese pedigree with several cases of unexplained early deaths of male infants.
ClinVar note: Converted during submission from pathogenic to Pathogenic.